The following is an entry in ClinVar:

NM_014795.4(ZEB2):c.1839C>G (p.Val613=)

Gene: ZEB2 (zinc finger E-box binding homeobox 2; minus strand). Cytogenetic location: 2q22.3.
Variant type: single nucleotide variant.
Coding change: c.1839C>G on transcript NM_014795.4 (MANE Select); coding-DNA position 1839, C replaced by G.
Protein change: p.Val613=; no amino-acid change (valine 613 retained).
Molecular consequence: synonymous variant.
Genome position (GRCh38, 1-based): chr2:144,399,348, G>C on the plus strand (C>G on the coding strand, the complement: ZEB2 is on the minus strand). VCF-style: chr2-144399348-G-C. GRCh37 (hg19) VCF-style: chr2-145156915-G-C.
Other names: c.1767C>G, p.Val589= (NM_001171653.2).
Identifiers: ClinVar variation 384170 (VCV000384170.8), dbSNP rs751367896, ClinGen allele CA16603746.
Genomic context (GRCh38, chr2:144,399,348, plus strand): 5'-GGCTTTATTATCAACAAAAACTCCGGCTTTGTTGGGGACTATGTTTTCATGAGGCTGCAG[G>C]ACCGCCTTGATCTCTTCATTCATCTTACAAAGGTAACGTTCATGCTGATGCAAAGGGATG-3'
Protein context (NP_055610.1, residues 603-623): LCKMNEEIKA[Val613=]LQPHENIVPN

ClinVar aggregate classification (germline): Likely benign. Review status: criteria provided, multiple submitters, no conflicts (2 of 4 stars). 2 submissions from 2 submitters: Likely benign (2). Last evaluated 2020-11-14.

Conditions:
Mowat-Wilson syndrome (MOWS). Also called: Classic Mowat-Wilson Syndrome. Identifiers: Orphanet 2152, MedGen C1856113, MONDO:0009341, OMIM 235730.

Submissions (2):

Labcorp Genetics (formerly Invitae), Labcorp
Classification: Likely benign for Mowat-Wilson syndrome. Last evaluated: 2020-11-14. Review status: criteria provided, single submitter. Criteria: Invitae Variant Classification Sherloc (09022015). Collection method: clinical testing. Allele origin: germline.

GeneDx
Classification: Likely benign. Last evaluated: 2016-02-26. Review status: criteria provided, single submitter. Criteria: GeneDx Variant Classification (06012015). Collection method: clinical testing. Allele origin: germline. Affected: yes.
Comment: This variant is considered likely benign or benign based on one or more of the following criteria: it is a conservative change, it occurs at a poorly conserved position in the protein, it is predicted to be benign by multiple in silico algorithms, and/or has population frequency not consistent with disease.